The following is an entry in ClinVar:

NM_007294.4(BRCA1):c.1212A>C (p.Glu404Asp)

Gene: BRCA1 (BRCA1 DNA repair associated; minus strand). Cytogenetic location: 17q21.31.
Variant type: single nucleotide variant.
Coding change: c.1212A>C on transcript NM_007294.4 (MANE Select); coding-DNA position 1212, A replaced by C.
Protein change: p.Glu404Asp; replaces glutamic acid 404 with aspartic acid.
Molecular consequence: missense variant. On other transcripts: intron variant (137).
Genome position (GRCh38, 1-based): chr17:43,094,319, T>G on the plus strand (A>C on the coding strand, the complement: BRCA1 is on the minus strand). VCF-style: chr17-43094319-T-G. GRCh37 (hg19) VCF-style: chr17-41246336-T-G.
Other names: c.1209A>C, p.Glu403Asp (NM_001407638.1, NM_001407644.1, NM_001407645.1 and 22 more transcripts); c.1212A>C, p.Glu404Asp (NM_001407639.1, NM_001407640.1, NM_001407641.1 and 30 more transcripts); c.1203A>C, p.Glu401Asp (NM_001407646.1, NM_001407647.1); c.1089A>C, p.Glu363Asp (NM_001407648.1, NM_001407664.1, NM_001407665.1 and 19 more transcripts); c.1086A>C, p.Glu362Asp (NM_001407649.1, NM_001407670.1, NM_001407671.1 and 11 more transcripts); c.1134A>C, p.Glu378Asp (NM_001407653.1, NM_001407654.1, NM_001407655.1 and 4 more transcripts); c.1131A>C, p.Glu377Asp (NM_001407659.1, NM_001407660.1, NM_001407661.1 and 1 more transcripts); c.1071A>C, p.Glu357Asp (NM_001407692.1, NM_001407694.1, NM_001407695.1 and 29 more transcripts); and 40 more; short protein forms E357D, E404D, E236D, E276D, E277D, E336D, E356D, E292D.
Identifiers: ClinVar variation 928533 (VCV000928533.4), dbSNP rs1057521863, ClinGen allele CA10599627.
Genomic context (GRCh38, chr17:43,094,319, plus strand): 5'-ACCAGAATATTCATCTACCTCATTTAGAACGTCCAATACATCAGCTACTTTGGCATTTGA[T>G]TCAGACTCCCCATCATGTGAGTCATCAGAACCTAACAGTTCATCACTTCTGGAAAACCAC-3'
Protein context (NP_009225.1, residues 394-414): GSDDSHDGES[Glu404Asp]SNAKVADVLD

ClinVar aggregate classification (germline): Conflicting classifications of pathogenicity. Review status: criteria provided, conflicting classifications (1 of 4 stars). 2 submissions from 2 submitters: Uncertain significance (1); Likely benign (1). Last evaluated 2023-03-23.

Conditions:
Hereditary cancer-predisposing syndrome. Also called: Neoplastic Syndromes, Hereditary; Hereditary Cancer Syndrome; Tumor predisposition; Hereditary neoplastic syndrome. Identifiers: Orphanet 140162, MedGen C0027672, MeSH D009386, MONDO:0015356.

Submissions (2):

University of Washington Department of Laboratory Medicine, University of Washington
Classification: Likely benign for Hereditary cancer-predisposing syndrome. Last evaluated: 2023-03-23. Review status: criteria provided, single submitter. Criteria: Dines et al. (Genet Med. 2020). Collection method: curation. Allele origin: germline.
Comment: Missense variant in a coldspot region where missense variants are very unlikely to be pathogenic (PMID:31911673).

BRCA1 coldspot (exon 11 using historical exon numbering). Reclassification based on statistical prior probability

Women's Health and Genetics/Laboratory Corporation of America, LabCorp
Classification: Uncertain significance. Last evaluated: 2019-10-17. Review status: criteria provided, single submitter. Criteria: LabCorp Variant Classification Summary - May 2015. Collection method: clinical testing. Allele origin: germline.
Comment: Variant summary: BRCA1 c.1212A>C (p.Glu404Asp) results in a conservative amino acid change located in the Serine-rich domain associated with BRCT of the encoded protein sequence. Three of five in-silico tools predict a benign effect of the variant on protein function. The variant was absent in 250830 control chromosomes. The available data on variant occurrences in the general population are insufficient to allow any conclusion about variant significance. To our knowledge, no occurrence of c.1212A>C in individuals affected with Hereditary Breast and Ovarian Cancer and no experimental evidence demonstrating its impact on protein function have been reported. Co-occurrence with a pathogenic variant has been reported in an intertal sample (BRCA1 c.188T>A, p.L63X), providing supporting evidence for a benign role. No clinical diagnostic laboratories have submitted clinical-significance assessments for this variant to ClinVar after 2014. Based on the evidence outlined above, the variant was classified as VUS-possibly benign.